The following is an entry in ClinVar:

NM_007194.4(CHEK2):c.974del (p.Lys325fs)

Gene: CHEK2 (checkpoint kinase 2; minus strand). Cytogenetic location: 22q12.1.
Variant type: Deletion.
Coding change: c.974del on transcript NM_007194.4 (MANE Select); coding-DNA position 974, one base deleted (A; older notation c.974delA).
Protein change: p.Lys325fs; shifts the reading frame from lysine 325.
Molecular consequence: frameshift variant.
Genome position (GRCh38, 1-based): chr22:28,699,872, T deleted on the plus strand (A on the coding strand, the reverse complement: CHEK2 is on the minus strand); the first of 2 consecutive T bases (chr22:28,699,872-28,699,873); deleting either gives the same sequence. VCF-style (leftmost placement, unchanged base first): chr22-28699871-CT-C. GRCh37 (hg19) VCF-style: chr22-29095859-CT-C.
Other names: c.1102delA, p.Lys368Serfs (NM_001005735.3); c.310delA, p.Lys104Serfs (NM_001257387.3); c.772delA, p.Lys258Serfs (NM_001349956.3); c.973delA, p.Lys325Serfs (NM_145862.3); short protein forms K258fs, K325fs, K104fs, K368fs.
Identifiers: ClinVar variation 479559 (VCV000479559.8), dbSNP rs1555915409, ClinGen allele CA658656839.
Genomic context (GRCh38, chr22:28,699,871, plus strand): 5'-GTCAAAAGAATTGAGGGCTTCTTTTACCTGCACAGCCAAGAGCATCTGGTAAAAATAGAG[CT>C]TGCAGGTAGCTTCTTTCAGGCGTTTATTCCCCACCACTTTGTCAAACAGCTCTCCCCCTT-3'

ClinVar aggregate classification (germline): Pathogenic. Review status: criteria provided, multiple submitters, no conflicts (2 of 4 stars). 2 submissions from 2 submitters: Pathogenic (2). Last evaluated 2023-03-09.

Conditions:
Hereditary cancer-predisposing syndrome. Also called: Hereditary Cancer Syndrome; Neoplastic Syndromes, Hereditary; Tumor predisposition; Hereditary neoplastic syndrome. Identifiers: Orphanet 140162, MedGen C0027672, MeSH D009386, MONDO:0015356.
Familial cancer of breast. Also called: BREAST CANCER, FAMILIAL; Hereditary breast cancer; hereditary breast carcinoma. Identifiers: Orphanet 227535, MedGen C0346153, MONDO:0016419, OMIM 114480. Disease mechanism: loss of function.

Submissions (2):

Labcorp Genetics (formerly Invitae), Labcorp
Classification: Pathogenic for Familial cancer of breast. Last evaluated: 2023-03-09. Review status: criteria provided, single submitter. Criteria: Invitae Variant Classification Sherloc (09022015). Collection method: clinical testing. Allele origin: germline.
Comment: For these reasons, this variant has been classified as Pathogenic. ClinVar contains an entry for this variant (Variation ID: 479559). This variant has not been reported in the literature in individuals affected with CHEK2-related conditions. This variant is not present in population databases (gnomAD no frequency). This sequence change creates a premature translational stop signal (p.Lys325Serfs*24) in the CHEK2 gene. It is expected to result in an absent or disrupted protein product. Loss-of-function variants in CHEK2 are known to be pathogenic (PMID: 21876083, 24713400).

Ambry Genetics
Classification: Pathogenic for Hereditary cancer-predisposing syndrome. Last evaluated: 2016-05-25. Review status: criteria provided, single submitter. Criteria: Ambry Variant Classification Scheme 2023. Collection method: clinical testing. Allele origin: germline.
Comment: The c.974delA pathogenic mutation, located in coding exon 8 of the CHEK2 gene, results from a deletion of one nucleotide at nucleotide position 974, causing a translational frameshift with a predicted alternate stop codon. Since frameshifts are typically deleterious in nature, this alteration is interpreted as a disease-causing mutation (ACMG Recommendations for Standards for Interpretation and Reporting of Sequence Variations. Revision 2007. Genet Med. 2008;10:294).

Literature cited by the submitters: PubMed 21876083 (cited by Labcorp Genetics (formerly Invitae), Labcorp); PubMed 24713400 (cited by Labcorp Genetics (formerly Invitae), Labcorp).